The following is an entry in ClinVar:

ClinVar aggregate classification (germline): Uncertain significance. Review status: criteria provided, multiple submitters, no conflicts (2 of 4 stars). 3 submissions from 3 submitters: Uncertain significance (3). Last evaluated 2025-08-02.

Conditions:
Inborn genetic diseases. Identifiers: MedGen C0950123, MeSH D030342.
PEX11B-related disorder. Also called: PEX11B-related condition.

Submissions (3):

Ambry Genetics
Classification: Uncertain significance for Inborn genetic diseases. Last evaluated: 2025-08-02. Review status: criteria provided, single submitter. Criteria: Ambry Variant Classification Scheme 2023. Collection method: clinical testing. Allele origin: germline.

PreventionGenetics, part of Exact Sciences
Classification: Uncertain significance for PEX11B-related condition. Last evaluated: 2024-11-09. Review status: criteria provided, single submitter. Criteria: ACMG Guidelines, 2015. Collection method: clinical testing. Allele origin: germline.
Comment: The PEX11B c.185G>T variant is predicted to result in the amino acid substitution p.Gly62Val. To our knowledge, this variant has not been reported in the literature. This variant is reported in 0.00088% of alleles in individuals of European (Non-Finnish) descent in gnomAD. At this time, the clinical significance of this variant is uncertain due to the absence of conclusive functional and genetic evidence.

Labcorp Genetics (formerly Invitae), Labcorp
Classification: Uncertain significance. Last evaluated: 2023-08-10. Review status: criteria provided, single submitter. Criteria: Invitae Variant Classification Sherloc (09022015). Collection method: clinical testing. Allele origin: germline.
Comment: This sequence change replaces glycine, which is neutral and non-polar, with valine, which is neutral and non-polar, at codon 62 of the PEX11B protein (p.Gly62Val). This variant is present in population databases (no rsID available, gnomAD 0.0009%). This variant has not been reported in the literature in individuals affected with PEX11B-related conditions. ClinVar contains an entry for this variant (Variation ID: 1471568). An algorithm developed to predict the effect of missense changes on protein structure and function (PolyPhen-2) suggests that this variant is likely to be disruptive. Algorithms developed to predict the effect of sequence changes on RNA splicing suggest that this variant may create or strengthen a splice site. In summary, the available evidence is currently insufficient to determine the role of this variant in disease. Therefore, it has been classified as a Variant of Uncertain Significance.

NM_003846.3(PEX11B):c.185G>T (p.Gly62Val)

Gene: PEX11B (peroxisomal biogenesis factor 11 beta; minus strand). Cytogenetic location: 1q21.1.
Variant type: single nucleotide variant.
Coding change: c.185G>T on transcript NM_003846.3 (MANE Select); coding-DNA position 185, G replaced by T.
Protein change: p.Gly62Val; replaces glycine 62 with valine.
Molecular consequence: missense variant. On other transcripts: non-coding transcript variant (3).
Genome position (GRCh38, 1-based): chr1:145,917,006, C>A on the plus strand (G>T on the coding strand, the complement: PEX11B is on the minus strand). VCF-style: chr1-145917006-C-A. GRCh37 (hg19) VCF-style: chr1-145518083-G-T.
Other names: c.143G>T, p.Gly48Val (NM_001184795.1); c.185G>T (NM_003846.2); short protein forms G48V, G62V.
Identifiers: ClinVar variation 1471568 (VCV001471568.8), dbSNP rs1553754013, ClinGen allele CA342123816.